The following is an entry in ClinVar:

ClinVar aggregate classification (germline): Uncertain significance (1 of 4 stars; one submission).

Allele frequency attached by ClinVar (database versions not stated): TOPMed 0.00005; 1000 Genomes Project 30x 0.00016; ExAC 0.00027; gnomAD 0.00006; 1000 Genomes Project 0.00020.

Submission:

Labcorp Genetics (formerly Invitae), Labcorp
Classification: Uncertain significance. Last evaluated: 2026-01-19. Review status: criteria provided, single submitter. Criteria: Invitae Variant Classification Sherloc (09022015). Collection method: clinical testing. Allele origin: germline.
Comment: This sequence change replaces threonine, which is neutral and polar, with methionine, which is neutral and non-polar, at codon 222 of the LIPI protein (p.Thr222Met). This variant is present in population databases (rs570772306, gnomAD 0.2%), and has an allele count higher than expected for a pathogenic variant. This variant has not been reported in the literature in individuals affected with LIPI-related conditions. ClinVar contains an entry for this variant (Variation ID: 2702474). An algorithm developed to predict the effect of missense changes on protein structure and function (PolyPhen-2) suggests that this variant is likely to be disruptive. In summary, the available evidence is currently insufficient to determine the role of this variant in disease. Therefore, it has been classified as a Variant of Uncertain Significance.

NM_001302998.2(LIPI):c.602C>T (p.Thr201Met)

Gene: LIPI (lipase I; minus strand). Cytogenetic location: 21q11.2.
Variant type: single nucleotide variant.
Coding change: c.602C>T on transcript NM_001302998.2 (MANE Select); coding-DNA position 602, C replaced by T.
Protein change: p.Thr201Met; replaces threonine 201 with methionine.
Molecular consequence: missense variant.
Genome position (GRCh38, 1-based): chr21:14,181,799, G>A on the plus strand (C>T on the coding strand, the complement: LIPI is on the minus strand). VCF-style: chr21-14181799-G-A. GRCh37 (hg19) VCF-style: chr21-15554120-G-A.
Other names: c.602C>T, p.Thr201Met (NM_001302999.2, NM_001303000.2, NM_001303001.2 and 1 more transcripts); c.107C>T, p.Thr36Met (NM_001379566.1); c.467C>T, p.Thr156Met (NM_198996.4); short protein forms T201M, T36M, T156M.
Identifiers: ClinVar variation 2702474 (VCV002702474.3), dbSNP rs570772306, ClinGen allele CA9979619.